The following is an entry in ClinVar:

ClinVar aggregate classification (germline): Uncertain significance (1 of 4 stars; one submission).

Conditions:
Familial adenomatous polyposis 1 (FAP1). Also called: FAMILIAL ADENOMATOUS POLYPOSIS 1, ATTENUATED; POLYPOSIS, ADENOMATOUS INTESTINAL. Identifiers: MedGen C2713442, MONDO:0021056, OMIM 175100. Disease mechanism: loss of function.

Submission:

Labcorp Genetics (formerly Invitae), Labcorp
Classification: Uncertain significance for Familial adenomatous polyposis 1. Last evaluated: 2024-02-22. Review status: criteria provided, single submitter. Criteria: Invitae Variant Classification Sherloc (09022015). Collection method: clinical testing. Allele origin: germline.
Comment: This sequence change replaces tyrosine, which is neutral and polar, with phenylalanine, which is neutral and non-polar, at codon 1143 of the APC protein (p.Tyr1143Phe). This variant is not present in population databases (gnomAD no frequency). This variant has not been reported in the literature in individuals affected with APC-related conditions. Advanced modeling of protein sequence and biophysical properties (such as structural, functional, and spatial information, amino acid conservation, physicochemical variation, residue mobility, and thermodynamic stability) performed at Invitae indicates that this missense variant is not expected to disrupt APC protein function with a negative predictive value of 95%. In summary, the available evidence is currently insufficient to determine the role of this variant in disease. Therefore, it has been classified as a Variant of Uncertain Significance.

NM_000038.6(APC):c.3428A>T (p.Tyr1143Phe)

Gene: APC (APC regulator of Wnt signaling pathway; plus strand). Cytogenetic location: 5q22.2.
Variant type: single nucleotide variant.
Coding change: c.3428A>T on transcript NM_000038.6 (MANE Select); coding-DNA position 3428, A replaced by T.
Protein change: p.Tyr1143Phe; replaces tyrosine 1143 with phenylalanine.
Molecular consequence: missense variant. On other transcripts: non-coding transcript variant (2).
Genome position (GRCh38, 1-based): chr5:112,839,022, A>T. VCF-style: chr5-112839022-A-T. GRCh37 (hg19) VCF-style: chr5-112174719-A-T.
Other names: c.3179A>T, p.Tyr1060Phe (NM_001407457.1, NM_001407454.1, NM_001407455.1 and 1 more transcripts); c.3125A>T, p.Tyr1042Phe (NM_001407458.1, NM_001407459.1, NM_001407460.1 and 1 more transcripts); c.3041A>T, p.Tyr1014Phe (NM_001407467.1, NM_001407469.1); c.2579A>T, p.Tyr860Phe (NM_001407470.1, NM_001354906.2); c.2276A>T, p.Tyr759Phe (NM_001407471.1, NM_001407472.1); c.3428A>T, p.Tyr1143Phe (NM_001127510.3, NM_001354895.2, NM_001407450.1); c.3374A>T, p.Tyr1125Phe (NM_001127511.3); c.3482A>T, p.Tyr1161Phe (NM_001354896.2, NM_001407447.1, NM_001407448.1 and 1 more transcripts); and 11 more; short protein forms Y1060F, Y1102F, Y1143F, Y1161F, Y1014F, Y1017F, Y1042F, Y1084F.
Identifiers: ClinVar variation 3635441 (VCV003635441.2).
Genomic context (GRCh38, chr5:112,839,022, plus strand): 5'-AAAATGTAAGCCAGTCTTTGTGTCAAGAAGATGACTATGAAGATGATAAGCCTACCAATT[A>T]TAGTGAACGTTACTCTGAAGAAGAACAGCATGAAGAAGAAGAGAGACCAACAAATTATAG-3'
Protein context (NP_000029.2, residues 1133-1153): DDYEDDKPTN[Tyr1143Phe]SERYSEEEQH